The following is an entry in ClinVar:

NM_003036.4(SKI):c.254T>G (p.Val85Gly)

Gene: SKI (SKI proto-oncogene; plus strand). Cytogenetic location: 1p36.33.
Variant type: single nucleotide variant.
Coding change: c.254T>G on transcript NM_003036.4 (MANE Select); coding-DNA position 254, T replaced by G.
Protein change: p.Val85Gly; replaces valine 85 with glycine.
Molecular consequence: missense variant.
Genome position (GRCh38, 1-based): chr1:2,229,020, T>G. VCF-style: chr1-2229020-T-G. GRCh37 (hg19) VCF-style: chr1-2160459-T-G.
Other names: short protein forms V85G.
Identifiers: ClinVar variation 1895586 (VCV001895586.5), dbSNP rs1638569506, ClinGen allele CA337952403.

ClinVar aggregate classification (germline): Uncertain significance (1 of 4 stars; one submission).

Conditions:
Shprintzen-Goldberg syndrome (SGS). Also called: SHPRINTZEN-GOLDBERG CRANIOSYNOSTOSIS SYNDROME; CRANIOSYNOSTOSIS WITH ARACHNODACTYLY AND ABDOMINAL HERNIAS; Marfanoid disorder with craniosynostosis type 1; Marfanoid craniosynostosis syndrome; Shprintzen-Goldberg marfanoid syndrome. Identifiers: Orphanet 2462, MedGen C1321551, MONDO:0008426, OMIM 182212.

Allele frequency attached by ClinVar (database versions not stated): TOPMed 0.00001.
gnomAD v4.1: 1 of 1,593,588 alleles (0.000063%); highest among the groups gnomAD compares: Admixed American, 0.0017%; no homozygotes.

Submission:

Labcorp Genetics (formerly Invitae), Labcorp
Classification: Uncertain significance for Shprintzen-Goldberg syndrome. Last evaluated: 2024-04-10. Review status: criteria provided, single submitter. Criteria: Invitae Variant Classification Sherloc (09022015). Collection method: clinical testing. Allele origin: germline.
Comment: This sequence change replaces valine, which is neutral and non-polar, with glycine, which is neutral and non-polar, at codon 85 of the SKI protein (p.Val85Gly). This variant is not present in population databases (gnomAD no frequency). This variant has not been reported in the literature in individuals affected with SKI-related conditions. ClinVar contains an entry for this variant (Variation ID: 1895586). Advanced modeling of protein sequence and biophysical properties (such as structural, functional, and spatial information, amino acid conservation, physicochemical variation, residue mobility, and thermodynamic stability) has been performed at Invitae for this missense variant, however the output from this modeling did not meet the statistical confidence thresholds required to predict the impact of this variant on SKI protein function. In summary, the available evidence is currently insufficient to determine the role of this variant in disease. Therefore, it has been classified as a Variant of Uncertain Significance.